The following is an entry in ClinVar:

NM_057175.5(NAA15):c.370C>T (p.Gln124Ter)

Gene: NAA15 (N-alpha-acetyltransferase 15, NatA auxiliary subunit; plus strand). Cytogenetic location: 4q31.1.
Variant type: single nucleotide variant.
Coding change: c.370C>T on transcript NM_057175.5 (MANE Select); coding-DNA position 370, C replaced by T.
Protein change: p.Gln124Ter; replaces glutamine 124 with a stop codon.
Molecular consequence: nonsense.
Genome position (GRCh38, 1-based): chr4:139,341,037, C>T. VCF-style: chr4-139341037-C-T. GRCh37 (hg19) VCF-style: chr4-140262191-C-T.
Other names: c.370C>T, p.Gln124Ter (NM_001410842.1); short protein forms Q124*.
Identifiers: ClinVar variation 3346344 (VCV003346344.2).

ClinVar aggregate classification (germline): Likely pathogenic. Review status: criteria provided, single submitter (1 of 4 stars). 2 submissions from 2 submitters: Likely pathogenic (1). 1 of the submissions does not count toward it. Last evaluated 2025-07-18.

Conditions:
NAA15-related disorder.
Incidental Discovery. Identifiers: MedGen C1135954.

Submissions (2):

Clinical Genetics Laboratory, Skane University Hospital Lund
Classification: Likely pathogenic for Incidental Discovery. Last evaluated: 2025-07-18. Review status: criteria provided, single submitter. Criteria: ACMG Guidelines, 2015. Collection method: clinical testing. Allele origin: de novo.
Comment: Found in a heterozygous state. Incidental finding. Confirmed de novo but no associated phenotype. ACMG criteria applied: PVS1, PM2.

PreventionGenetics, part of Exact Sciences
Classification: Likely pathogenic for NAA15-related condition. Last evaluated: 2024-09-10. Review status: no assertion criteria provided. Collection method: clinical testing. Allele origin: germline. Not counted in ClinVar's aggregate classification.
Comment: The NAA15 c.370C>T variant is predicted to result in premature protein termination (p.Gln124*). To our knowledge, this variant has not been reported in the literature or in a large population databas, indicating this variant is rare. Nonsense variants in NAA15 are expected to be pathogenic. This variant is interpreted as likely pathogenic.